The following is an entry in ClinVar:

ClinVar aggregate classification (germline): Likely benign. Review status: criteria provided, single submitter (1 of 4 stars). 2 submissions from 2 submitters: Likely benign (1). 1 of the submissions does not count toward it. Last evaluated 2024-07-19.

Conditions:
CHAMP1-related disorder. Also called: CHAMP1-related condition.

Allele frequency attached by ClinVar (database versions not stated): ESP Exome Variant Server 0.00023; ExAC 0.00025; gnomAD 0.00038; TOPMed 0.00040; 1000 Genomes Project 0.00060; 1000 Genomes Project 30x 0.00062.
gnomAD v4.1: 597 of 1,614,158 alleles (0.037%); highest among the groups gnomAD compares: Admixed American, 0.048%; 1 homozygote.

Submissions (2):

Blueprint Genetics
Classification: Likely benign. Last evaluated: 2024-07-19. Review status: criteria provided, single submitter. Criteria: ACMG Guidelines, 2015. Collection method: clinical testing. Allele origin: germline.

PreventionGenetics, part of Exact Sciences
Classification: Likely benign for CHAMP1-related condition. Last evaluated: 2019-03-14. Review status: no assertion criteria provided. Collection method: clinical testing. Allele origin: germline. Not counted in ClinVar's aggregate classification.
Comment: This variant is classified as likely benign based on ACMG/AMP sequence variant interpretation guidelines (Richards et al. 2015 PMID: 25741868, with internal and published modifications).

NM_032436.4(CHAMP1):c.315T>A (p.Pro105=)

Gene: CHAMP1 (chromosome alignment maintaining phosphoprotein 1; plus strand). Cytogenetic location: 13q34.
Variant type: single nucleotide variant.
Coding change: c.315T>A on transcript NM_032436.4 (MANE Select); coding-DNA position 315, T replaced by A.
Protein change: p.Pro105=; no amino-acid change (proline 105 retained).
Molecular consequence: synonymous variant.
Genome position (GRCh38, 1-based): chr13:114,324,157, T>A. VCF-style: chr13-114324157-T-A. GRCh37 (hg19) VCF-style: chr13-115089632-T-A.
Other names: c.315T>A, p.Pro105= (NM_001164144.3, NM_001164145.3).
Identifiers: ClinVar variation 3039812 (VCV003039812.3), dbSNP rs144710092, ClinGen allele CA7070601.